The following is an entry in ClinVar:

NM_004444.5(EPHB4):c.263C>T (p.Ala88Val)

Gene: EPHB4 (EPH receptor B4; minus strand). Cytogenetic location: 7q22.1.
Variant type: single nucleotide variant.
Coding change: c.263C>T on transcript NM_004444.5 (MANE Select); coding-DNA position 263, C replaced by T.
Protein change: p.Ala88Val; replaces alanine 88 with valine.
Molecular consequence: missense variant.
Genome position (GRCh38, 1-based): chr7:100,823,792, G>A on the plus strand (C>T on the coding strand, the complement: EPHB4 is on the minus strand). VCF-style: chr7-100823792-G-A. GRCh37 (hg19) VCF-style: chr7-100421414-G-A.
Other names: short protein forms A88V.
Identifiers: ClinVar variation 2450407 (VCV002450407.2), dbSNP rs1813302719, ClinGen allele CA368583259.

ClinVar aggregate classification (germline): Uncertain significance (1 of 4 stars; one submission).

Conditions:
Cardiovascular phenotype. Identifiers: MedGen CN230736.

Allele frequency attached by ClinVar (database versions not stated): gnomAD exomes below 0.00001.
gnomAD v4.1: 3 of 1,613,464 alleles (0.00019%); highest among the groups gnomAD compares: Non-Finnish European, 0.00017%; no homozygotes.

Submission:

Ambry Genetics
Classification: Uncertain significance for Cardiovascular phenotype. Last evaluated: 2022-12-25. Review status: criteria provided, single submitter. Criteria: Ambry Variant Classification Scheme 2023. Collection method: clinical testing. Allele origin: germline.
Comment: The p.A88V variant (also known as c.263C>T), located in coding exon 3 of the EPHB4 gene, results from a C to T substitution at nucleotide position 263. The alanine at codon 88 is replaced by valine, an amino acid with similar properties. This amino acid position is conserved. In addition, this alteration is predicted to be tolerated by in silico analysis. Since supporting evidence is limited at this time, the clinical significance of this alteration remains unclear.